The following is an entry in ClinVar:

NM_024490.4(ATP10A):c.730C>T (p.Arg244Cys)

Gene: ATP10A (ATPase phospholipid transporting 10A (putative); minus strand). Cytogenetic location: 15q12.
Variant type: single nucleotide variant.
Coding change: c.730C>T on transcript NM_024490.4 (MANE Select); coding-DNA position 730, C replaced by T.
Protein change: p.Arg244Cys; replaces arginine 244 with cysteine.
Molecular consequence: missense variant.
Genome position (GRCh38, 1-based): chr15:25,736,066, G>A on the plus strand (C>T on the coding strand, the complement: ATP10A is on the minus strand). VCF-style: chr15-25736066-G-A. GRCh37 (hg19) VCF-style: chr15-25981213-G-A.
Other names: short protein forms R244C.
Identifiers: ClinVar variation 3049577 (VCV003049577.2), dbSNP rs114003800, ClinGen allele CA7437077.

ClinVar aggregate classification (germline): Benign (0 of 4 stars; one submission).

Conditions:
ATP10A-related disorder. Also called: ATP10A-related condition.

Allele frequency attached by ClinVar (database versions not stated): gnomAD exomes 0.00023; gnomAD 0.00034; TOPMed 0.00044; ExAC 0.00057; 1000 Genomes Project 0.00140; 1000 Genomes Project 30x 0.00141.
gnomAD v4.1: 393 of 1,613,738 alleles (0.024%); highest among the groups gnomAD compares: East Asian, 0.69%; no homozygotes.

Submission:

PreventionGenetics, part of Exact Sciences
Classification: Benign for ATP10A-related condition. Last evaluated: 2019-11-01. Review status: no assertion criteria provided. Collection method: clinical testing. Allele origin: germline.
Comment: This variant is classified as benign based on ACMG/AMP sequence variant interpretation guidelines (Richards et al. 2015 PMID: 25741868, with internal and published modifications).